The following is an entry in ClinVar:

ClinVar aggregate classification (germline): Benign/Likely benign. Review status: criteria provided, multiple submitters, no conflicts (2 of 4 stars). 5 submissions from 5 submitters: Benign (2); Likely benign (3). Last evaluated 2026-04-01.

Conditions:
Trichohepatoenteric syndrome 2 (THES2). Identifiers: Orphanet 84064, MedGen C3281289, MONDO:0013818, OMIM 614602.

Allele frequency attached by ClinVar (database versions not stated): 1000 Genomes Project 0.00100; 1000 Genomes Project 30x 0.00109; gnomAD exomes 0.00336 and 0.00586; ExAC 0.00344; TOPMed 0.00356; gnomAD 0.00370; ESP Exome Variant Server 0.00492.
gnomAD v4.1: 9,034 of 1,613,938 alleles (0.56%); highest among the groups gnomAD compares: Non-Finnish European, 0.7%; 37 homozygotes.

Submissions (5):

CeGaT Center for Human Genetics Tuebingen
Classification: Likely benign. Last evaluated: 2026-04-01. Review status: criteria provided, single submitter. Criteria: CeGaT Center For Human Genetics Tuebingen Variant Classification Criteria Version 2. Collection method: clinical testing. Allele origin: germline. Affected: yes. Observed: 6 variant alleles.
Comment: SKIC2: BP4, BP7, BS2

Labcorp Genetics (formerly Invitae), Labcorp
Classification: Benign. Last evaluated: 2026-02-02. Review status: criteria provided, single submitter. Criteria: Invitae Variant Classification Sherloc (09022015). Collection method: clinical testing. Allele origin: germline.

Blueprint Genetics
Classification: Likely benign. Last evaluated: 2024-11-25. Review status: criteria provided, single submitter. Criteria: ACMG Guidelines, 2015. Collection method: clinical testing. Allele origin: germline.

Mayo Clinic Laboratories, Mayo Clinic
Classification: Benign. Last evaluated: 2024-01-02. Review status: criteria provided, single submitter. Criteria: ACMG Guidelines, 2015. Collection method: clinical testing. Allele origin: germline. Observed: 10 variant alleles.
Comment: BS1, BS2, BP4, BP7

Illumina Laboratory Services, Illumina
Classification: Likely benign for Trichohepatoenteric syndrome 2. Last evaluated: 2018-01-12. Review status: criteria provided, single submitter. Criteria: ICSL Variant Classification Criteria 13 December 2019. Collection method: clinical testing. Allele origin: germline.
Comment: This variant was observed in the ICSL laboratory as part of a predisposition screen in an ostensibly healthy population. It had not been previously curated by ICSL or reported in the Human Gene Mutation Database (HGMD: prior to June 1st, 2018), and was therefore a candidate for classification through an automated scoring system. Utilizing variant allele frequency, disease prevalence and penetrance estimates, and inheritance mode, an automated score was calculated to assess if this variant is too frequent to cause the disease. Based on the score and internal cut-off values, a variant classified as likely benign is not then subjected to further curation. The score for this variant resulted in a classification of likely benign for this disease.

NM_006929.5(SKIC2):c.1173G>A (p.Pro391=)

Genes: SKIC2 (SKI2 subunit of superkiller complex; plus strand), LOC126859653 (CDK7 strongly-dependent group 2 enhancer GRCh37_chr6:31929542-31930741; plus strand). Cytogenetic location: 6p21.33.
Variant type: single nucleotide variant.
Coding change: c.1173G>A on transcript NM_006929.5 (MANE Select); coding-DNA position 1173, G replaced by A.
Protein change: p.Pro391=; no amino-acid change (proline 391 retained).
Molecular consequence: synonymous variant.
Genome position (GRCh38, 1-based): chr6:31,962,547, G>A. VCF-style: chr6-31962547-G-A. GRCh37 (hg19) VCF-style: chr6-31930324-G-A.
Other names: p.Pro391=.
Identifiers: ClinVar variation 356325 (VCV000356325.42), dbSNP rs61761945, ClinGen allele CA3729373.